The following is an entry in ClinVar:

ClinVar aggregate classification (germline): Likely benign (1 of 4 stars; one submission).

Conditions:
CUL4B-related disorder. Also called: CUL4B-related condition.

Submission:

PreventionGenetics, part of Exact Sciences
Classification: Likely benign for CUL4B-related condition. Last evaluated: 2026-04-22. Review status: criteria provided, single submitter. Criteria: ACMG Guidelines, 2015. Collection method: clinical testing. Allele origin: germline.
Comment: This variant is classified as likely benign based on ACMG/AMP sequence variant interpretation guidelines (Richards et al. 2015 PMID: 25741868, with internal and published modifications).

NM_001079872.2(CUL4B):c.2175C>T (p.Leu725=)

Gene: CUL4B (cullin 4B; minus strand). Cytogenetic location: Xq24.
Variant type: single nucleotide variant.
Coding change: c.2175C>T on transcript NM_001079872.2 (MANE Select); coding-DNA position 2175, C replaced by T.
Protein change: p.Leu725=; no amino-acid change (leucine 725 retained).
Molecular consequence: synonymous variant.
Genome position (GRCh38, 1-based): chrX:120,534,572, G>A on the plus strand (C>T on the coding strand, the complement: CUL4B is on the minus strand). VCF-style: chrX-120534572-G-A. GRCh37 (hg19) VCF-style: chrX-119668427-G-A.
Other names: c.2190C>T, p.Leu730= (NM_001330624.2); c.1641C>T, p.Leu547= (NM_001369145.1); c.2229C>T, p.Leu743= (NM_003588.4).
Identifiers: ClinVar variation 4992059 (VCV004992059.1).